The following is an entry in ClinVar:

ClinVar aggregate classification (germline): Uncertain significance. Review status: criteria provided, multiple submitters, no conflicts (2 of 4 stars). 2 submissions from 2 submitters: Uncertain significance (2). Last evaluated 2026-09-09.

Conditions:
Hereditary cancer-predisposing syndrome. Also called: Neoplastic Syndromes, Hereditary; Hereditary Cancer Syndrome; Hereditary neoplastic syndrome; Tumor predisposition. Identifiers: Orphanet 140162, MedGen C0027672, MeSH D009386, MONDO:0015356.

Submissions (2):

Ambry Genetics
Classification: Uncertain significance for Hereditary cancer-predisposing syndrome. Last evaluated: 2026-09-09. Review status: criteria provided, single submitter. Criteria: Ambry Variant Classification Scheme 2023. Collection method: clinical testing. Allele origin: germline.
Comment: The c.3795+5G>A intronic variant results from a G to A substitution 5 nucleotides after coding exon 30 in the POLE gene. This nucleotide position is not well conserved in available vertebrate species. In silico splice site analysis predicts that this alteration will not have any significant effect on splicing. Based on the available evidence, the clinical significance of this variant remains unclear.

Labcorp Genetics (formerly Invitae), Labcorp
Classification: Uncertain significance. Last evaluated: 2018-08-19. Review status: criteria provided, single submitter. Criteria: Invitae Variant Classification Sherloc (09022015). Collection method: clinical testing. Allele origin: germline.
Comment: This sequence change falls in intron 30 of the POLE gene. It does not directly change the encoded amino acid sequence of the POLE protein, but it affects a nucleotide within the consensus splice site of the intron. In summary, the available evidence is currently insufficient to determine the role of this variant in disease. Therefore, it has been classified as a Variant of Uncertain Significance. Nucleotide substitutions within the consensus splice site are a relatively common cause of aberrant splicing (PMID: 17576681, 9536098). Algorithms developed to predict the effect of sequence changes on RNA splicing suggest that this variant is not likely to affect RNA splicing, but this prediction has not been confirmed by published transcriptional studies. This variant has not been reported in the literature in individuals with POLE-related disease. This variant is not present in population databases (ExAC no frequency).

Literature cited by the submitters: PubMed 17576681 (cited by Labcorp Genetics (formerly Invitae), Labcorp); PubMed 9536098 (cited by Labcorp Genetics (formerly Invitae), Labcorp).

NM_006231.4(POLE):c.3795+5G>A

Gene: POLE (DNA polymerase epsilon, catalytic subunit; minus strand). Cytogenetic location: 12q24.33.
Variant type: single nucleotide variant.
Coding change: c.3795+5G>A on transcript NM_006231.4 (MANE Select); 5 bases into the intron after coding-DNA position 3795, G replaced by A.
Molecular consequence: intron variant.
Genome position (GRCh38, 1-based): chr12:132,649,672, C>T on the plus strand (G>A on the coding strand, the complement: POLE is on the minus strand). VCF-style: chr12-132649672-C-T. GRCh37 (hg19) VCF-style: chr12-133226258-C-T.
Other names: c.3795+5G>A (NM_006231.2).
Identifiers: ClinVar variation 649350 (VCV000649350.7), dbSNP rs1593750763, ClinGen allele CA915946831.